The following is an entry in ClinVar:

NM_021871.4(FGA):c.180+2_180+3insC

Gene: FGA (fibrinogen alpha chain; minus strand). Cytogenetic location: 4q31.3.
Variant type: Insertion.
Coding change: c.180+2_180+3insC on transcript NM_021871.4 (MANE Select); the canonical splice donor site of the intron after coding-DNA position 180 through 3 bases into the intron after coding-DNA position 180, C inserted.
Molecular consequence: splice donor variant.
Genome position: GRCh38 VCF-style: chr4-154589434-T-TG. GRCh37 (hg19) VCF-style: chr4-155510586-T-TG.
Other names: c.180+2_180+3insC (NM_000508.5).
Identifiers: ClinVar variation 4688457 (VCV004688457.1).

ClinVar aggregate classification (germline): Uncertain significance (1 of 4 stars; one submission).

Submission:

Women's Health and Genetics/Laboratory Corporation of America, LabCorp
Classification: Uncertain significance. Last evaluated: 2025-12-09. Review status: criteria provided, single submitter. Criteria: LabCorp Variant Classification Summary - May 2015. Collection method: clinical testing. Allele origin: germline.
Comment: Variant summary: FGA c.180+2_180+3insC alters a non-conserved nucleotide located close to a canonical splice site and therefore could affect mRNA splicing, leading to a significantly altered protein sequence. Several computational tools predict a significant impact on normal splicing: Four predict the variant abolishes a 5' splicing donor site. However, these predictions have yet to be confirmed by functional studies. The variant was absent in 251174 control chromosomes. The available data on variant occurrences in the general population are insufficient to allow any conclusion about variant significance. To our knowledge, no occurrence of c.180+2_180+3insC in individuals affected with FGA-related conditions and no experimental evidence demonstrating its impact on protein function have been reported. The following publication has been ascertained in the context of this evaluation (PMID: 20806111). No submitters have cited clinical-significance assessments for this variant to ClinVar. Based on the evidence outlined above, the variant was classified as uncertain significance.

Literature cited by the submitters: PubMed 20806111.